The following is an entry in ClinVar:

ClinVar aggregate classification (germline): Uncertain significance (1 of 4 stars; one submission).

Conditions:
Hereditary cancer-predisposing syndrome. Also called: Neoplastic Syndromes, Hereditary; Hereditary Cancer Syndrome; Tumor predisposition; Hereditary neoplastic syndrome. Identifiers: Orphanet 140162, MedGen C0027672, MeSH D009386, MONDO:0015356.

Submission:

Labcorp Genetics (formerly Invitae), Labcorp
Classification: Uncertain significance for Hereditary cancer-predisposing syndrome. Last evaluated: 2022-05-05. Review status: criteria provided, single submitter. Criteria: Invitae Variant Classification Sherloc (09022015). Collection method: clinical testing. Allele origin: germline.
Comment: In summary, the available evidence is currently insufficient to determine the role of this variant in disease. Therefore, it has been classified as a Variant of Uncertain Significance. Experimental studies and prediction algorithms are not available or were not evaluated, and the functional significance of this variant is currently unknown. This variant has not been reported in the literature in individuals affected with RAD50-related conditions. This variant is not present in population databases (gnomAD no frequency). This sequence change creates a premature translational stop signal (p.Phe1286Ilefs*5) in the RAD50 gene. While this is not anticipated to result in nonsense mediated decay, it is expected to disrupt the last 27 amino acid(s) of the RAD50 protein.

NM_005732.4(RAD50):c.3855dup (p.Phe1286fs)

Genes: TH2LCRR (T helper type 2 locus control region associated RNA; minus strand), RAD50 (RAD50 double strand break repair protein; plus strand). Cytogenetic location: 5q31.1.
Variant type: Duplication.
Coding change: c.3855dup on transcript NM_005732.4 (MANE Select); coding-DNA position 3855, one base duplicated (A; older notation c.3855dupA).
Protein change: p.Phe1286fs; shifts the reading frame from phenylalanine 1286.
Molecular consequence: frameshift variant. On other transcripts: non-coding transcript variant (1).
Genome position (GRCh38, 1-based): chr5:132,642,280, A duplicated; the last of 3 consecutive A bases (chr5:132,642,278-132,642,280); duplicating any one gives the same sequence. VCF-style (leftmost placement, unchanged base first): chr5-132642277-G-GA. GRCh37 (hg19) VCF-style: chr5-131977969-G-GA.
Other names: short protein forms F1286fs.
Identifiers: ClinVar variation 2150970 (VCV002150970.4), dbSNP rs1751742797, ClinGen allele CA1583254631.